The following is an entry in ClinVar:

NM_015102.5(NPHP4):c.3282G>A (p.Trp1094Ter)

Gene: NPHP4 (nephrocystin 4; minus strand). Cytogenetic location: 1p36.31.
Variant type: single nucleotide variant.
Coding change: c.3282G>A on transcript NM_015102.5 (MANE Select); coding-DNA position 3282, G replaced by A.
Protein change: p.Trp1094Ter; replaces tryptophan 1094 with a stop codon.
Molecular consequence: nonsense. On other transcripts: non-coding transcript variant (1).
Genome position (GRCh38, 1-based): chr1:5,873,285, C>T on the plus strand (G>A on the coding strand, the complement: NPHP4 is on the minus strand). VCF-style: chr1-5873285-C-T. GRCh37 (hg19) VCF-style: chr1-5933345-C-T.
Other names: c.1743G>A, p.Trp581Ter (NM_001291593.2); c.1746G>A, p.Trp582Ter (NM_001291594.2); short protein forms W581*, W1094*, W582*.
Identifiers: ClinVar variation 1376931 (VCV001376931.6), dbSNP rs763668545, ClinGen allele CA553717.

ClinVar aggregate classification (germline): Pathogenic (1 of 4 stars; one submission).

Conditions:
Nephronophthisis. Also called: Juvenile Nephronophthisis. Identifiers: Orphanet 655, MedGen C0687120, MONDO:0019005, HP:0000090.

Allele frequency attached by ClinVar (database versions not stated): gnomAD exomes below 0.00001; ExAC 0.00001; gnomAD 0.00001.
gnomAD v4.1: 2 of 1,613,868 alleles (0.00012%); highest among the groups gnomAD compares: South Asian, 0.0022%; no homozygotes.

Submission:

Labcorp Genetics (formerly Invitae), Labcorp
Classification: Pathogenic for Nephronophthisis. Last evaluated: 2021-04-12. Review status: criteria provided, single submitter. Criteria: Invitae Variant Classification Sherloc (09022015). Collection method: clinical testing. Allele origin: germline.
Comment: This variant is present in population databases (rs763668545, ExAC 0.006%). For these reasons, this variant has been classified as Pathogenic. This variant has not been reported in the literature in individuals with NPHP4-related conditions. This sequence change creates a premature translational stop signal (p.Trp1094*) in the NPHP4 gene. It is expected to result in an absent or disrupted protein product. Loss-of-function variants in NPHP4 are known to be pathogenic (PMID: 12205563, 23559409).

Literature cited by the submitters: PubMed 12205563; PubMed 23559409.